The following is an entry in ClinVar:

ClinVar aggregate classification (germline): Uncertain significance. Review status: criteria provided, multiple submitters, no conflicts (2 of 4 stars). 4 submissions from 4 submitters: Uncertain significance (4). Last evaluated 2024-03-24.

Conditions:
Hereditary nonpolyposis colorectal neoplasms. Identifiers: MedGen C0009405, MeSH D003123.
Lynch syndrome. Identifiers: Orphanet 144, MedGen C4552100, MONDO:0005835. Disease mechanism: loss of function.
Hereditary cancer-predisposing syndrome. Also called: Hereditary neoplastic syndrome; Tumor predisposition; Hereditary Cancer Syndrome; Neoplastic Syndromes, Hereditary. Identifiers: Orphanet 140162, MedGen C0027672, MeSH D009386, MONDO:0015356.

Submissions (4):

All of Us Research Program, National Institutes of Health
Classification: Uncertain significance for Lynch syndrome. Last evaluated: 2024-03-24. Review status: criteria provided, single submitter. Criteria: ACMG Guidelines, 2015. Collection method: clinical testing. Allele origin: germline. Inheritance: Autosomal dominant inheritance. Observed: 1 variant allele, 1 heterozygote.
Comment: This missense variant replaces cysteine with tyrosine at codon 1053 of the MSH6 protein. Computational prediction suggests that this variant may have deleterious impact on protein structure and function (internally defined REVEL score threshold >= 0.7, PMID: 27666373). To our knowledge, functional studies have not been reported for this variant. This variant has not been reported in individuals affected with MSH6-related disorders in the literature. This variant has not been identified in the general population by the Genome Aggregation Database (gnomAD). The available evidence is insufficient to determine the role of this variant in disease conclusively. Therefore, this variant is classified as a Variant of Uncertain Significance.

This study involves interpretation of variants in research participants for the purpose of population health screening. Participant phenotype was not available at the time of variant classification. Additional details can be found in publication PMID: 35346344, PMCID: PMC8962531

Color Diagnostics, LLC DBA Color Health
Classification: Uncertain significance for Hereditary cancer-predisposing syndrome. Last evaluated: 2023-12-05. Review status: criteria provided, single submitter. Criteria: ACMG Guidelines, 2015. Collection method: clinical testing. Allele origin: germline.
Comment: This missense variant replaces cysteine with tyrosine at codon 1053 of the MSH6 protein. Computational prediction suggests that this variant may have deleterious impact on protein structure and function (internally defined REVEL score threshold >= 0.7, PMID: 27666373). To our knowledge, functional studies have not been reported for this variant. This variant has not been reported in individuals affected with MSH6-related disorders in the literature. This variant has not been identified in the general population by the Genome Aggregation Database (gnomAD). The available evidence is insufficient to determine the role of this variant in disease conclusively. Therefore, this variant is classified as a Variant of Uncertain Significance.

Labcorp Genetics (formerly Invitae), Labcorp
Classification: Uncertain significance for Hereditary nonpolyposis colorectal neoplasms. Last evaluated: 2023-10-22. Review status: criteria provided, single submitter. Criteria: Invitae Variant Classification Sherloc (09022015). Collection method: clinical testing. Allele origin: germline.
Comment: This sequence change replaces cysteine, which is neutral and slightly polar, with tyrosine, which is neutral and polar, at codon 1053 of the MSH6 protein (p.Cys1053Tyr). This variant is not present in population databases (gnomAD no frequency). This variant has not been reported in the literature in individuals affected with MSH6-related conditions. ClinVar contains an entry for this variant (Variation ID: 491924). Advanced modeling of protein sequence and biophysical properties (such as structural, functional, and spatial information, amino acid conservation, physicochemical variation, residue mobility, and thermodynamic stability) has been performed at Invitae for this missense variant, however the output from this modeling did not meet the statistical confidence thresholds required to predict the impact of this variant on MSH6 protein function. In summary, the available evidence is currently insufficient to determine the role of this variant in disease. Therefore, it has been classified as a Variant of Uncertain Significance.

Ambry Genetics
Classification: Uncertain significance for Hereditary cancer-predisposing syndrome. Last evaluated: 2018-02-20. Review status: criteria provided, single submitter. Criteria: Ambry Variant Classification Scheme 2023. Collection method: clinical testing. Allele origin: germline.

NM_000179.3(MSH6):c.3158G>A (p.Cys1053Tyr)

Gene: MSH6 (mutS homolog 6; plus strand). Cytogenetic location: 2p16.3.
Variant type: single nucleotide variant.
Coding change: c.3158G>A on transcript NM_000179.3 (MANE Select); coding-DNA position 3158, G replaced by A.
Protein change: p.Cys1053Tyr; replaces cysteine 1053 with tyrosine.
Molecular consequence: missense variant.
Genome position (GRCh38, 1-based): chr2:47,801,141, G>A. VCF-style: chr2-47801141-G-A. GRCh37 (hg19) VCF-style: chr2-48028280-G-A.
Other names: c.2768G>A, p.Cys923Tyr (NM_001281492.2); c.2252G>A, p.Cys751Tyr (NM_001281493.2, NM_001281494.2); short protein forms C1053Y, C751Y, C923Y.
Identifiers: ClinVar variation 491924 (VCV000491924.15), dbSNP rs1553414572, ClinGen allele CA346756724.